The following is an entry in ClinVar:

NM_001364905.1(LRBA):c.7316A>G (p.Glu2439Gly)

Gene: LRBA (LPS responsive beige-like anchor protein; minus strand). Cytogenetic location: 4q31.3.
Variant type: single nucleotide variant.
Coding change: c.7316A>G on transcript NM_001364905.1 (MANE Select); coding-DNA position 7316, A replaced by G.
Protein change: p.Glu2439Gly; replaces glutamic acid 2439 with glycine.
Molecular consequence: missense variant.
Genome position (GRCh38, 1-based): chr4:150,350,038, T>C on the plus strand (A>G on the coding strand, the complement: LRBA is on the minus strand). VCF-style: chr4-150350038-T-C. GRCh37 (hg19) VCF-style: chr4-151271190-T-C.
Other names: c.7316A>G, p.Glu2439Gly (NM_001199282.3, NM_001367550.1); c.7349A>G, p.Glu2450Gly (NM_006726.5); short protein forms E2450G, E2439G.
Identifiers: ClinVar variation 500718 (VCV000500718.12), dbSNP rs752621759, ClinGen allele CA3101685.

ClinVar aggregate classification (germline): Uncertain significance. Review status: criteria provided, multiple submitters, no conflicts (2 of 4 stars). 2 submissions from 2 submitters: Uncertain significance (2). Last evaluated 2024-03-13.

Conditions:
Combined immunodeficiency due to LRBA deficiency. Also called: Common variable immunodeficiency 8, with autoimmunity. Identifiers: Orphanet 445018, MedGen C3553512, MONDO:0013863, OMIM 614700.

Allele frequency attached by ClinVar (database versions not stated): gnomAD exomes below 0.00001 and 0.00001; TOPMed below 0.00001; ExAC 0.00001.
gnomAD v4.1: 5 of 1,613,954 alleles (0.00031%); highest among the groups gnomAD compares: Non-Finnish European, 0.00042%; no homozygotes.

Submissions (2):

Labcorp Genetics (formerly Invitae), Labcorp
Classification: Uncertain significance for Combined immunodeficiency due to LRBA deficiency. Last evaluated: 2024-03-13. Review status: criteria provided, single submitter. Criteria: Invitae Variant Classification Sherloc (09022015). Collection method: clinical testing. Allele origin: germline.
Comment: This sequence change replaces glutamic acid, which is acidic and polar, with glycine, which is neutral and non-polar, at codon 2450 of the LRBA protein (p.Glu2450Gly). This variant is present in population databases (rs752621759, gnomAD 0.0009%). This variant has not been reported in the literature in individuals affected with LRBA-related conditions. ClinVar contains an entry for this variant (Variation ID: 500718). Advanced modeling of protein sequence and biophysical properties (such as structural, functional, and spatial information, amino acid conservation, physicochemical variation, residue mobility, and thermodynamic stability) performed at Invitae indicates that this missense variant is expected to disrupt LRBA protein function with a positive predictive value of 80%. In summary, the available evidence is currently insufficient to determine the role of this variant in disease. Therefore, it has been classified as a Variant of Uncertain Significance.

Eurofins Ntd Llc (ga)
Classification: Uncertain significance. Last evaluated: 2017-03-10. Review status: criteria provided, single submitter. Criteria: EGL Classification Definitions 2015. Collection method: clinical testing. Allele origin: germline. Observed: 1 variant allele, 1 heterozygote.